The following is an entry in ClinVar:

ClinVar aggregate classification (germline): Uncertain significance. Review status: criteria provided, multiple submitters, no conflicts (2 of 4 stars). 3 submissions from 3 submitters: Uncertain significance (3). Last evaluated 2024-12-31.

Conditions:
Spondyloepiphyseal dysplasia with congenital joint dislocations (SEDCJD). Also called: Chondrodysplasia with Congenital Joint Dislocations, CHST3-Related. Identifiers: Orphanet 263463, MedGen C1837657, MONDO:0007738, OMIM 143095.
Inborn genetic diseases. Identifiers: MedGen C0950123, MeSH D030342.
CHST3-related disorder. Also called: CHST3-related condition.

Allele frequency attached by ClinVar (database versions not stated): gnomAD exomes below 0.00001.

Submissions (3):

PreventionGenetics, part of Exact Sciences
Classification: Uncertain significance for CHST3-related condition. Last evaluated: 2024-12-31. Review status: criteria provided, single submitter. Criteria: ACMG Guidelines, 2015. Collection method: clinical testing. Allele origin: germline.
Comment: The CHST3 c.680C>G variant is predicted to result in the amino acid substitution p.Ser227Cys. To our knowledge, this variant has not been reported in the literature or in a large population database (gnomAD), indicating this variant is rare. At this time, the clinical significance of this variant is uncertain due to the absence of conclusive functional and genetic evidence.

Ambry Genetics
Classification: Uncertain significance for Inborn genetic diseases. Last evaluated: 2023-06-21. Review status: criteria provided, single submitter. Criteria: Ambry Variant Classification Scheme 2023. Collection method: clinical testing. Allele origin: germline.

Genomic Research Center, Shahid Beheshti University of Medical Sciences
Classification: Uncertain significance for Spondyloepiphyseal dysplasia with congenital joint dislocations. Last evaluated: 2020-05-03. Review status: criteria provided, single submitter. Criteria: ACMG Guidelines, 2015. Collection method: clinical testing. Allele origin: unknown. Affected: yes.

NM_004273.5(CHST3):c.680C>G (p.Ser227Cys)

Gene: CHST3 (carbohydrate sulfotransferase 3; plus strand). Cytogenetic location: 10q22.1.
Variant type: single nucleotide variant.
Coding change: c.680C>G on transcript NM_004273.5 (MANE Select); coding-DNA position 680, C replaced by G.
Protein change: p.Ser227Cys; replaces serine 227 with cysteine.
Molecular consequence: missense variant.
Genome position (GRCh38, 1-based): chr10:72,007,711, C>G. VCF-style: chr10-72007711-C-G. GRCh37 (hg19) VCF-style: chr10-73767469-C-G.
Other names: short protein forms S227C.
Identifiers: ClinVar variation 522921 (VCV000522921.7), dbSNP rs1554817549, ClinGen allele CA377145805.